The following is an entry in ClinVar:

NM_014000.3(VCL):c.*1853A>C

Gene: VCL (vinculin; plus strand). Cytogenetic location: 10q22.2.
Variant type: single nucleotide variant.
Coding change: c.*1853A>C on transcript NM_014000.3 (MANE Select); 1853 bases downstream of the stop codon, A replaced by C.
Molecular consequence: 3 prime UTR variant.
Genome position (GRCh38, 1-based): chr10:74,120,022, A>C. VCF-style: chr10-74120022-A-C. GRCh37 (hg19) VCF-style: chr10-75879780-A-C.
Other names: c.*1853A>C (NM_003373.4).
Identifiers: ClinVar variation 300827 (VCV000300827.6), dbSNP rs554923257, ClinGen allele CA10636367.

ClinVar aggregate classification (germline): Benign/Likely benign. Review status: criteria provided, multiple submitters, no conflicts (2 of 4 stars). 2 submissions from 2 submitters: Benign (1); Likely benign (1). Last evaluated 2021-08-12.

Conditions:
Dilated cardiomyopathy 1W (CMD1W). Identifiers: Orphanet 154, MedGen C1969639, MONDO:0012667, OMIM 611407.
Hypertrophic cardiomyopathy 15. Identifiers: MedGen C2750459, MONDO:0013200, OMIM 613255.

Allele frequency attached by ClinVar (database versions not stated): gnomAD 0.04685 and 0.04999; TOPMed 0.05293; 1000 Genomes Project 0.05731; 1000 Genomes Project 30x 0.06137.

Submissions (2):

Fulgent Genetics
Classification: Likely benign for Dilated cardiomyopathy 1W; Hypertrophic cardiomyopathy 15. Last evaluated: 2021-08-12. Review status: criteria provided, single submitter. Criteria: ACMG Guidelines, 2015. Collection method: clinical testing. Allele origin: unknown.

Illumina Laboratory Services, Illumina
Classification: Benign for Dilated cardiomyopathy 1W. Last evaluated: 2018-01-12. Review status: criteria provided, single submitter. Criteria: ICSL Variant Classification Criteria 13 December 2019. Collection method: clinical testing. Allele origin: germline.
Comment: This variant was observed in the ICSL laboratory as part of a predisposition screen in an ostensibly healthy population. It had not been previously curated by ICSL or reported in the Human Gene Mutation Database (HGMD: prior to June 1st, 2018), and was therefore a candidate for classification through an automated scoring system. Utilizing variant allele frequency, disease prevalence and penetrance estimates, and inheritance mode, an automated score was calculated to assess if this variant is too frequent to cause the disease. Based on the score and internal cut-off values, a variant classified as benign is not then subjected to further curation. The score for this variant resulted in a classification of benign for this disease.